The following is an entry in ClinVar:

ClinVar aggregate classification (germline): Uncertain significance. Review status: criteria provided, multiple submitters, no conflicts (2 of 4 stars). 2 submissions from 2 submitters: Uncertain significance (2). Last evaluated 2024-09-30.

Conditions:
Dyskeratosis congenita. Identifiers: Orphanet 1775, MedGen C0265965, MONDO:0015780.

gnomAD v4.1: 19 of 1,613,978 alleles (0.0012%); highest among the groups gnomAD compares: Non-Finnish European, 0.000085%; 1 homozygote.

Submissions (2):

Blueprint Genetics
Classification: Uncertain significance. Last evaluated: 2024-09-30. Review status: criteria provided, single submitter. Criteria: ACMG Guidelines, 2015. Collection method: clinical testing. Allele origin: germline.

Labcorp Genetics (formerly Invitae), Labcorp
Classification: Uncertain significance for Dyskeratosis congenita. Last evaluated: 2021-10-08. Review status: criteria provided, single submitter. Criteria: Invitae Variant Classification Sherloc (09022015). Collection method: clinical testing. Allele origin: germline.
Comment: This variant has not been reported in the literature in individuals affected with CTC1-related conditions. This sequence change replaces arginine with proline at codon 1178 of the CTC1 protein (p.Arg1178Pro). The arginine residue is moderately conserved and there is a moderate physicochemical difference between arginine and proline. This variant is present in population databases (rs764813118, ExAC 0.05%). Algorithms developed to predict the effect of missense changes on protein structure and function are either unavailable or do not agree on the potential impact of this missense change (SIFT: "Deleterious"; PolyPhen-2: "Probably Damaging"; Align-GVGD: "Class C0"). In summary, the available evidence is currently insufficient to determine the role of this variant in disease. Therefore, it has been classified as a Variant of Uncertain Significance.

NM_025099.6(CTC1):c.3533G>C (p.Arg1178Pro)

Gene: CTC1 (CST telomere replication complex component 1; minus strand). Cytogenetic location: 17p13.1.
Variant type: single nucleotide variant.
Coding change: c.3533G>C on transcript NM_025099.6 (MANE Select); coding-DNA position 3533, G replaced by C.
Protein change: p.Arg1178Pro; replaces arginine 1178 with proline.
Molecular consequence: missense variant. On other transcripts: non-coding transcript variant (1).
Genome position (GRCh38, 1-based): chr17:8,228,301, C>G on the plus strand (G>C on the coding strand, the complement: CTC1 is on the minus strand). VCF-style: chr17-8228301-C-G. GRCh37 (hg19) VCF-style: chr17-8131619-C-G.
Other names: short protein forms R1178P.
Identifiers: ClinVar variation 1398581 (VCV001398581.7), dbSNP rs764813118, ClinGen allele CA8371716.